The following is an entry in ClinVar:

ClinVar aggregate classification (somatic clinical impact): Tier I - Strong (1 of 4 stars; one submission).

Conditions:
Medulloblastoma WNT activated. Identifiers: MedGen C4331965, MONDO:0850196.

Submission:

Institute for Genomic Medicine (IGM) Clinical Laboratory, Nationwide Children's Hospital
Classification: Tier I - Strong for Medulloblastoma WNT activated. Assertion type: diagnostic. Clinical significance: supports diagnosis. Last evaluated: 2023-12-26. Review status: criteria provided, single submitter. Criteria: AMP/ASCO/CAP Guidelines, 2017. Collection method: clinical testing. Allele origin: somatic. Affected: yes.
Comment: Variant has Tier I (strong) clinical significance as a diagnostic inclusion criterion in medulloblastoma WNT activated, based on the following evidence: 1) Documented in one or more cancer databases (e.g., St. Jude Pecan, COSMIC, CIViC, OncoKB). 2) Appears in one or more well-established professional guidelines (e.g., World Health Organization [WHO]; National Comprehensive Cancer Network [NCCN]) as providing diagnostic, prognostic, or therapeutic information. 3) Diagnostic for a specific tumor type/classification based on well-powered studies with expert-level consensus (Evidence Level B; PMIDs: 22832583, 22722829, 28726821, 22820256).

Literature cited by the submitters: PubMed 22832583; PubMed 22722829; PubMed 28726821; PubMed 22820256.

NM_001356.5(DDX3X):c.1048G>A (p.Asp350Asn)

Gene: DDX3X (DEAD-box helicase 3 X-linked; plus strand). Cytogenetic location: Xp11.4.
Variant type: single nucleotide variant.
Coding change: c.1048G>A on transcript NM_001356.5 (MANE Select); coding-DNA position 1048, G replaced by A.
Protein change: p.Asp350Asn; replaces aspartic acid 350 with asparagine.
Molecular consequence: missense variant. On other transcripts: non-coding transcript variant (1).
Genome position (GRCh38, 1-based): chrX:41,345,202, G>A. VCF-style: chrX-41345202-G-A. GRCh37 (hg19) VCF-style: chrX-41204455-G-A.
Other names: c.1048G>A, p.Asp350Asn (NM_001193416.3); c.1000G>A, p.Asp334Asn (NM_001193417.3); c.490G>A, p.Asp164Asn (NM_001363819.1); short protein forms D164N, D334N, D350N.
Identifiers: ClinVar variation 4530074 (VCV004530074.1).
Genomic context (GRCh38, chrX:41,345,202, plus strand): 5'-TTCTAAACTCAGGCTTGTTTTTTTTCATGACATGACAGATACTTGGTGTTAGATGAAGCT[G>A]ATCGGATGTTGGATATGGGGTTTGAGCCTCAGATTCGTAGAATAGTCGAACAAGATACTA-3'
Protein context (NP_001347.3, residues 340-360): FCKYLVLDEA[Asp350Asn]RMLDMGFEPQ